The following is an entry in ClinVar:

NM_018418.5(SPATA7):c.1216-2A>G

Gene: SPATA7 (spermatogenesis associated 7; plus strand). Cytogenetic location: 14q31.3.
Variant type: single nucleotide variant.
Coding change: c.1216-2A>G on transcript NM_018418.5 (MANE Select); the canonical splice acceptor site of the intron before coding-DNA position 1216, A replaced by G.
Molecular consequence: splice acceptor variant.
Genome position (GRCh38, 1-based): chr14:88,437,836, A>G. VCF-style: chr14-88437836-A-G. GRCh37 (hg19) VCF-style: chr14-88904180-A-G.
Other names: c.1120-2A>G (NM_001040428.4).
Identifiers: ClinVar variation 4292065 (VCV004292065.1).

ClinVar aggregate classification (germline): Likely pathogenic (1 of 4 stars; one submission).

Conditions:
Leber congenital amaurosis 3 (LCA3). Also called: SPATA7-Related Retinitis Pigmentosa. Identifiers: MedGen C1858677, MONDO:0011415, OMIM 604232.

gnomAD v4.1: 15 of 1,586,890 alleles (0.00095%); highest among the groups gnomAD compares: Admixed American, 0.0019%; no homozygotes.

Submission:

3billion
Classification: Likely pathogenic for Leber congenital amaurosis 3. Last evaluated: 2024-08-29. Review status: criteria provided, single submitter. Criteria: ACMG Guidelines, 2015. Collection method: clinical testing. Allele origin: germline. Affected: yes.
Comment: The variant is observed at an extremely low frequency in the gnomAD v4.0.0 dataset (total allele frequency: 0.001%). Predicted Consequence/Location: Canonical splice site: predicted to alter splicing and result in a loss or disruption of normal protein function. The predicted truncated protein may be shortened by more than 10%. In silico tools predict the variant to alter splicing and produce an abnormal transcript [SpliceAI: 1.00 (spliceogenicity >=0.2, non-spliceogenicity <0.1)]. Therefore, this variant is classified as Likely pathogenic according to the recommendation of ACMG/AMP guideline.